The following is an entry in ClinVar:

ClinVar aggregate classification (germline): Uncertain significance (1 of 4 stars; one submission).

Submission:

GeneDx
Classification: Uncertain significance. Last evaluated: 2025-01-16. Review status: criteria provided, single submitter. Criteria: GeneDx Variant Classification Process June 2021. Collection method: clinical testing. Allele origin: germline. Affected: yes.
Comment: Not observed at significant frequency in large population cohorts (gnomAD); In silico analysis supports that this missense variant has a deleterious effect on protein structure/function; Has not been previously published as pathogenic or benign to our knowledge

NM_014159.7(SETD2):c.4595G>A (p.Arg1532Gln)

Gene: SETD2 (SET domain containing 2, histone lysine methyltransferase; minus strand). Cytogenetic location: 3p21.31.
Variant type: single nucleotide variant.
Coding change: c.4595G>A on transcript NM_014159.7 (MANE Select); coding-DNA position 4595, G replaced by A.
Protein change: p.Arg1532Gln; replaces arginine 1532 with glutamine.
Molecular consequence: missense variant. On other transcripts: non-coding transcript variant (1).
Genome position (GRCh38, 1-based): chr3:47,113,996, C>T on the plus strand (G>A on the coding strand, the complement: SETD2 is on the minus strand). VCF-style: chr3-47113996-C-T. GRCh37 (hg19) VCF-style: chr3-47155486-C-T.
Other names: c.4463G>A, p.Arg1488Gln (NM_001349370.3); short protein forms R1488Q, R1532Q.
Identifiers: ClinVar variation 1313425 (VCV001313425.3), dbSNP rs2107720003, ClinGen allele CA352516043.